The following is an entry in ClinVar:

NM_020919.4(ALS2):c.4368del (p.Lys1457fs)

Gene: ALS2 (alsin Rho guanine nucleotide exchange factor ALS2; minus strand). Cytogenetic location: 2q33.1.
Variant type: Deletion.
Coding change: c.4368del on transcript NM_020919.4 (MANE Select); coding-DNA position 4368, one base deleted (G; older notation c.4368delG).
Protein change: p.Lys1457fs; shifts the reading frame from lysine 1457.
Molecular consequence: frameshift variant.
Genome position (GRCh38, 1-based): chr2:201,707,904, C deleted on the plus strand (G on the coding strand, the reverse complement: ALS2 is on the minus strand); the first of 3 consecutive C bases (chr2:201,707,904-201,707,906); deleting any one gives the same sequence. VCF-style (leftmost placement, unchanged base first): chr2-201707903-TC-T. GRCh37 (hg19) VCF-style: chr2-202572626-TC-T.
Other names: short protein forms K1457fs.
Identifiers: ClinVar variation 1454451 (VCV001454451.6), dbSNP rs2105969251, ClinGen allele CA645537835.

ClinVar aggregate classification (germline): Pathogenic (1 of 4 stars; one submission).

Conditions:
Infantile-onset ascending hereditary spastic paralysis (IAHSP). Also called: Autosomal Recessive Juvenile Amyotrophic Lateral Sclerosis; Infantile-Onset Ascending Hereditary Spastic Paralysis (IAHSP). Identifiers: Orphanet 293168, MedGen C2931441, MONDO:0011797, OMIM 607225. Disease mechanism: loss of function.

Submission:

Labcorp Genetics (formerly Invitae), Labcorp
Classification: Pathogenic for Infantile-onset ascending hereditary spastic paralysis. Last evaluated: 2025-01-06. Review status: criteria provided, single submitter. Criteria: Invitae Variant Classification Sherloc (09022015). Collection method: clinical testing. Allele origin: germline.
Comment: This sequence change creates a premature translational stop signal (p.Lys1457Serfs*14) in the ALS2 gene. It is expected to result in an absent or disrupted protein product. Loss-of-function variants in ALS2 are known to be pathogenic (PMID: 11586298, 24315819). This variant is not present in population databases (gnomAD no frequency). This variant has not been reported in the literature in individuals affected with ALS2-related conditions. ClinVar contains an entry for this variant (Variation ID: 1454451). For these reasons, this variant has been classified as Pathogenic.

Literature cited by the submitters: PubMed 11586298; PubMed 24315819.